The following is an entry in ClinVar:

NM_001365276.2(TNXB):c.8110C>T (p.Arg2704Cys)

Gene: TNXB (tenascin XB; minus strand). Cytogenetic location: 6p21.33.
Variant type: single nucleotide variant.
Coding change: c.8110C>T on transcript NM_001365276.2 (MANE Select); coding-DNA position 8110, C replaced by T.
Protein change: p.Arg2704Cys; replaces arginine 2704 with cysteine.
Molecular consequence: missense variant.
Genome position (GRCh38, 1-based): chr6:32,056,619, G>A on the plus strand (C>T on the coding strand, the complement: TNXB is on the minus strand). VCF-style: chr6-32056619-G-A. GRCh37 (hg19) VCF-style: chr6-32024396-G-A.
Other names: c.8110C>T, p.Arg2704Cys (NM_019105.8); short protein forms R2704C.
Identifiers: ClinVar variation 1762048 (VCV001762048.4), dbSNP rs747983319, ClinGen allele CA3733963.

ClinVar aggregate classification (germline): Uncertain significance. Review status: criteria provided, multiple submitters, no conflicts (2 of 4 stars). 2 submissions from 2 submitters: Uncertain significance (2). Last evaluated 2025-06-02.

Conditions:
Cardiovascular phenotype. Identifiers: MedGen CN230736.

Allele frequency attached by ClinVar (database versions not stated): gnomAD 0.00001; ExAC 0.00002; gnomAD exomes 0.00002; TOPMed 0.00002.
gnomAD v4.1: 29 of 1,612,930 alleles (0.0018%); highest among the groups gnomAD compares: Admixed American, 0.0033%; no homozygotes.

Submissions (2):

Women's Health and Genetics/Laboratory Corporation of America, LabCorp
Classification: Uncertain significance. Last evaluated: 2025-06-02. Review status: criteria provided, single submitter. Criteria: LabCorp Variant Classification Summary - May 2015. Collection method: clinical testing. Allele origin: germline.
Comment: Variant summary: TNXB c.8110C>T (p.Arg2704Cys) results in a non-conservative amino acid change in the encoded protein sequence. Algorithms developed to predict the effect of missense changes on protein structure and function are either unavailable or do not agree on the potential impact of this missense change. The variant allele was found at a frequency of 1.2e-05 in 245522 control chromosomes. The available data on variant occurrences in the general population are insufficient to allow any conclusion about variant significance. To our knowledge, no occurrence of c.8110C>T in individuals affected with Ehlers-Danlos syndrome due to tenascin-X deficiency and no experimental evidence demonstrating its impact on protein function have been reported. ClinVar contains an entry for this variant (Variation ID: 1762048). Based on the evidence outlined above, the variant was classified as uncertain significance.

Ambry Genetics
Classification: Uncertain significance for Cardiovascular phenotype. Last evaluated: 2024-12-05. Review status: criteria provided, single submitter. Criteria: Ambry Variant Classification Scheme 2023. Collection method: clinical testing. Allele origin: germline.
Comment: The p.R2704C variant (also known as c.8110C>T), located in coding exon 22 of the TNXB gene, results from a C to T substitution at nucleotide position 8110. The arginine at codon 2704 is replaced by cysteine, an amino acid with highly dissimilar properties. This amino acid position is highly conserved in available vertebrate species. In addition, this alteration is predicted to be tolerated by in silico analysis. Based on the available evidence, the clinical significance of this variant remains unclear.